The following is an entry in ClinVar:

ClinVar aggregate classification (germline): Uncertain significance (1 of 4 stars; one submission).

Conditions:
Inborn genetic diseases. Identifiers: MedGen C0950123, MeSH D030342.

gnomAD v4.1: 7 of 1,614,078 alleles (0.00043%); highest among the groups gnomAD compares: Non-Finnish European, 0.00059%; no homozygotes.

Submission:

Ambry Genetics
Classification: Uncertain significance for Inborn genetic diseases. Last evaluated: 2024-12-01. Review status: criteria provided, single submitter. Criteria: Ambry Variant Classification Scheme 2023. Collection method: clinical testing. Allele origin: germline.
Comment: The p.L183V variant (also known as c.547C>G), located in coding exon 6 of the RTEL1 gene, results from a C to G substitution at nucleotide position 547. The leucine at codon 183 is replaced by valine, an amino acid with highly similar properties. This amino acid position is conserved. In addition, this alteration is predicted to be tolerated by in silico analysis. Based on the available evidence, the clinical significance of this variant remains unclear.

NM_001283009.2(RTEL1):c.547C>G (p.Leu183Val)

Genes: RTEL1 (regulator of telomere elongation helicase 1; plus strand), RTEL1-TNFRSF6B (RTEL1-TNFRSF6B readthrough (NMD candidate); plus strand). Cytogenetic location: 20q13.33.
Variant type: single nucleotide variant.
Coding change: c.547C>G on transcript NM_001283009.2 (MANE Select); coding-DNA position 547, C replaced by G.
Protein change: p.Leu183Val; replaces leucine 183 with valine.
Molecular consequence: missense variant. On other transcripts: non-coding transcript variant (1), 5 prime UTR variant (1).
Genome position (GRCh38, 1-based): chr20:63,666,012, C>G. VCF-style: chr20-63666012-C-G. GRCh37 (hg19) VCF-style: chr20-62297365-C-G.
Other names: c.-123C>G (NM_001283010.1); c.547C>G, p.Leu183Val (NM_016434.4); c.619C>G, p.Leu207Val (NM_032957.5); short protein forms L183V, L207V.
Identifiers: ClinVar variation 3436013 (VCV003436013.1).
Genomic context (GRCh38, chr20:63,666,012, plus strand): 5'-GGGACTTAGTGGACCCTGAGGGTGTGTGTTTACCCCTGCCTCACACCTGCAGAAAAAAGC[C>G]TGGAGCAGGAGCTGGCCAGCCCCATCCTGGACATTGAGGACTTGGTCAAGAGCGGAAGCA-3'
Protein context (NP_001269938.1, residues 173-193): HFYNNVEEKS[Leu183Val]EQELASPILD